The following is an entry in ClinVar:

NM_024939.3(ESRP2):c.1299+7G>A

Gene: ESRP2 (epithelial splicing regulatory protein 2; minus strand). Cytogenetic location: 16q22.1.
Variant type: single nucleotide variant.
Coding change: c.1299+7G>A on transcript NM_024939.3 (MANE Select); 7 bases into the intron after coding-DNA position 1299, G replaced by A.
Molecular consequence: intron variant.
Genome position (GRCh38, 1-based): chr16:68,231,795, C>T on the plus strand (G>A on the coding strand, the complement: ESRP2 is on the minus strand). VCF-style: chr16-68231795-C-T. GRCh37 (hg19) VCF-style: chr16-68265698-C-T.
Other names: c.1299+7G>A (NM_001365265.1); c.1329+7G>A (NM_001365264.1).
Identifiers: ClinVar variation 3033323 (VCV003033323.2), dbSNP rs199541072, ClinGen allele CA8125295.

ClinVar aggregate classification (germline): Likely benign (0 of 4 stars; one submission).

Conditions:
ESRP2-related disorder. Also called: ESRP2-related condition.

Allele frequency attached by ClinVar (database versions not stated): 1000 Genomes Project 30x 0.00031; 1000 Genomes Project 0.00040; TOPMed 0.00229; gnomAD 0.00245; ESP Exome Variant Server 0.00292; ExAC 0.00297; gnomAD exomes 0.00320.
gnomAD v4.1: 4,983 of 1,606,484 alleles (0.31%); highest among the groups gnomAD compares: Middle Eastern, 0.56%; 12 homozygotes.

Submission:

PreventionGenetics, part of Exact Sciences
Classification: Likely benign for ESRP2-related condition. Last evaluated: 2020-06-29. Review status: no assertion criteria provided. Collection method: clinical testing. Allele origin: germline.
Comment: This variant is classified as likely benign based on ACMG/AMP sequence variant interpretation guidelines (Richards et al. 2015 PMID: 25741868, with internal and published modifications).